The following is an entry in ClinVar:

NM_001330260.2(SCN8A):c.1306T>G (p.Leu436Val)

Gene: SCN8A (sodium voltage-gated channel alpha subunit 8; plus strand). Cytogenetic location: 12q13.13.
Variant type: single nucleotide variant.
Coding change: c.1306T>G on transcript NM_001330260.2 (MANE Select); coding-DNA position 1306, T replaced by G.
Protein change: p.Leu436Val; replaces leucine 436 with valine.
Molecular consequence: missense variant.
Genome position (GRCh38, 1-based): chr12:51,705,588, T>G. VCF-style: chr12-51705588-T-G. GRCh37 (hg19) VCF-style: chr12-52099372-T-G.
Other names: c.1306T>G, p.Leu436Val (NM_001177984.3, NM_001369788.1, NM_014191.4); short protein forms L436V.
Identifiers: ClinVar variation 4685273 (VCV004685273.1).

ClinVar aggregate classification (germline): Uncertain significance (1 of 4 stars; one submission).

Submission:

GeneDx
Classification: Uncertain significance. Last evaluated: 2025-07-08. Review status: criteria provided, single submitter. Criteria: GeneDx Variant Classification Process June 2021. Collection method: clinical testing. Allele origin: germline. Affected: yes.
Comment: Has not been previously published as pathogenic or benign to our knowledge; Not observed at significant frequency in large population cohorts (gnomAD); In silico analysis suggests that this missense variant does not alter protein structure/function; This substitution is predicted to be within the cytoplasmic loop between the first and second homologous domains